The following is an entry in ClinVar:

ClinVar aggregate classification (germline): Uncertain significance (1 of 4 stars; one submission).

Conditions:
Developmental and epileptic encephalopathy. Identifiers: MedGen C5779964, MONDO:0100620.

Allele frequency attached by ClinVar (database versions not stated): ExAC 0.00001; gnomAD exomes 0.00001 and 0.00002; gnomAD 0.00007 and 0.00008; TOPMed 0.00007.
gnomAD v4.1: 29 of 1,598,518 alleles (0.0018%); highest among the groups gnomAD compares: African/African-American, 0.031%; no homozygotes.

Submission:

Labcorp Genetics (formerly Invitae), Labcorp
Classification: Uncertain significance for Early-infantile DEE. Last evaluated: 2022-08-22. Review status: criteria provided, single submitter. Criteria: Invitae Variant Classification Sherloc (09022015). Collection method: clinical testing. Allele origin: germline.
Comment: This sequence change replaces arginine, which is basic and polar, with glutamine, which is neutral and polar, at codon 277 of the SLC25A22 protein (p.Arg277Gln). This variant is present in population databases (rs777614945, gnomAD 0.04%). This variant has not been reported in the literature in individuals affected with SLC25A22-related conditions. ClinVar contains an entry for this variant (Variation ID: 941184). Algorithms developed to predict the effect of missense changes on protein structure and function output the following: SIFT: "Tolerated"; PolyPhen-2: "Benign"; Align-GVGD: "Class C0". The glutamine amino acid residue is found in multiple mammalian species, which suggests that this missense change does not adversely affect protein function. In summary, the available evidence is currently insufficient to determine the role of this variant in disease. Therefore, it has been classified as a Variant of Uncertain Significance.

NM_001191061.2(SLC25A22):c.830G>A (p.Arg277Gln)

Gene: SLC25A22 (solute carrier family 25 member 22; minus strand). Cytogenetic location: 11p15.5.
Variant type: single nucleotide variant.
Coding change: c.830G>A on transcript NM_001191061.2 (MANE Select); coding-DNA position 830, G replaced by A.
Protein change: p.Arg277Gln; replaces arginine 277 with glutamine.
Molecular consequence: missense variant.
Genome position (GRCh38, 1-based): chr11:792,057, C>T on the plus strand (G>A on the coding strand, the complement: SLC25A22 is on the minus strand). VCF-style: chr11-792057-C-T. GRCh37 (hg19) VCF-style: chr11-792057-C-T.
Other names: c.830G>A, p.Arg277Gln (NM_001191060.2, NM_024698.6); short protein forms R277Q.
Identifiers: ClinVar variation 941184 (VCV000941184.8), dbSNP rs777614945, ClinGen allele CA5789028.
Genomic context (GRCh38, chr11:792,057, plus strand): 5'-GGCGCGATGACCAGCGCGCGGCAGTAGGCGCCCTTCAGGAAGGCCGAGGGGCCCTCGTGC[C>T]GCAGGATCTTCCTGTGGAGGAAGGACGAAAGGGTCAGCCCGGTACGCAGGCCCCCAGGCC-3'
Protein context (NP_001177990.1, residues 267-287): GILDCARKIL[Arg277Gln]HEGPSAFLKG